The following is an entry in ClinVar:

ClinVar aggregate classification (germline): Uncertain significance (0 of 4 stars; one submission).

Conditions:
Autosomal dominant Parkinson disease 8. Also called: Parkinson disease 8, susceptibility to; LRRK2-Related Parkinson Disease; Parkinson disease 8. Identifiers: Orphanet 411602, MedGen C1846862, MONDO:0011764, OMIM 607060.

Allele frequency attached by ClinVar (database versions not stated): ESP Exome Variant Server 0.99946; gnomAD exomes 0.99972 and 0.99976; gnomAD 0.99973 and 0.99974; 1000 Genomes Project 30x 0.99984; TOPMed 0.99974; 1000 Genomes Project 0.99980; ExAC 0.99963.

Submission:

GeneReviews
Classification: Uncertain significance for LRRK2-Related Parkinson Disease. Last evaluated: 2012-09-13. Review status: no assertion criteria provided. Collection method: curation. Allele origin: unknown.
ClinVar note: Converted during submission from unknown to Uncertain significance.

NM_198578.4(LRRK2):c.364= (p.Leu122=)

Gene: LRRK2 (leucine rich repeat kinase 2; plus strand). Cytogenetic location: 12q12.
Variant type: single nucleotide variant.
Coding change: c.364= on transcript NM_198578.4 (MANE Select); coding-DNA position 364, no change from the reference sequence.
Protein change: p.Leu122=; no amino-acid change (leucine 122 retained).
Molecular consequence: no sequence alteration.
Genome position: GRCh38 VCF-style: chr12-40235642-C-C. GRCh37 (hg19) VCF-style: chr12-40629444-C-C.
Identifiers: ClinVar variation 39170 (VCV000039170.4), dbSNP rs41286468.
Genomic context (GRCh38, chr12:40,235,642, plus strand): 5'-GTATGATATTTCATTCTTATCTTGATTTCTGTTTTTAACTCCAGATTGATTCTTAAAATG[C=]TAACAGTTCATAATGCCAGTGTAAACTTGTCAGTGATTGGACTGAAGACCTTAGATCTCC-3'
Protein context (NP_940980.4, residues 112-132): LGVHQLILKM[Leu122=]TVHNASVNLS